The following is an entry in ClinVar:

ClinVar aggregate classification (germline): Uncertain significance (1 of 4 stars; one submission).

Conditions:
Congenital myasthenic syndrome 9. Also called: Myasthenic syndrome, congenital, 9, associated with acetylcholine receptor deficiency. Identifiers: Orphanet 590, MedGen C4225368, MONDO:0014587, OMIM 616325.
Fetal akinesia deformation sequence 1 (FADS1). Also called: Fetal akinesia sequence; Pena-Shokeir syndrome type I. Identifiers: Orphanet 994, MedGen C1276035, MONDO:0100101, OMIM 208150, HP:0001989.

Allele frequency attached by ClinVar (database versions not stated): gnomAD 0.00001; TOPMed 0.00002.
gnomAD v4.1: 17 of 1,613,558 alleles (0.0011%); highest among the groups gnomAD compares: Admixed American, 0.012%; no homozygotes.

Submission:

Labcorp Genetics (formerly Invitae), Labcorp
Classification: Uncertain significance for Congenital myasthenic syndrome 9; Fetal akinesia deformation sequence 1. Last evaluated: 2025-05-19. Review status: criteria provided, single submitter. Criteria: Invitae Variant Classification Sherloc (09022015). Collection method: clinical testing. Allele origin: germline.
Comment: This sequence change replaces glycine, which is neutral and non-polar, with arginine, which is basic and polar, at codon 20 of the MUSK protein (p.Gly20Arg). This variant is present in population databases (rs758427621, gnomAD 0.01%). This variant has not been reported in the literature in individuals affected with MUSK-related conditions. ClinVar contains an entry for this variant (Variation ID: 1393157). Invitae Evidence Modeling of protein sequence and biophysical properties (such as structural, functional, and spatial information, amino acid conservation, physicochemical variation, residue mobility, and thermodynamic stability) indicates that this missense variant is not expected to disrupt MUSK protein function with a negative predictive value of 95%. In summary, the available evidence is currently insufficient to determine the role of this variant in disease. Therefore, it has been classified as a Variant of Uncertain Significance.

NM_005592.4(MUSK):c.58G>A (p.Gly20Arg)

Gene: MUSK (muscle associated receptor tyrosine kinase; plus strand). Cytogenetic location: 9q31.3.
Variant type: single nucleotide variant.
Coding change: c.58G>A on transcript NM_005592.4 (MANE Select); coding-DNA position 58, G replaced by A.
Protein change: p.Gly20Arg; replaces glycine 20 with arginine.
Molecular consequence: missense variant.
Genome position (GRCh38, 1-based): chr9:110,668,962, G>A. VCF-style: chr9-110668962-G-A. GRCh37 (hg19) VCF-style: chr9-113431242-G-A.
Other names: c.58G>A, p.Gly20Arg (NM_001166280.2, NM_001166281.2); short protein forms G20R.
Identifiers: ClinVar variation 1393157 (VCV001393157.8), dbSNP rs758427621, ClinGen allele CA5183898.